The following is an entry in ClinVar:

NM_001572.5(IRF7):c.21-4G>A

Gene: IRF7 (interferon regulatory factor 7; minus strand). Cytogenetic location: 11p15.5.
Variant type: single nucleotide variant.
Coding change: c.21-4G>A on transcript NM_001572.5 (MANE Select); 4 bases into the intron before coding-DNA position 21, G replaced by A.
Molecular consequence: intron variant. On other transcripts: missense variant (1).
Genome position (GRCh38, 1-based): chr11:615,263, C>T on the plus strand (G>A on the coding strand, the complement: IRF7 is on the minus strand). VCF-style: chr11-615263-C-T. GRCh37 (hg19) VCF-style: chr11-615263-C-T.
Other names: c.56G>A, p.Arg19His (NM_004031.4); c.21-4G>A (NM_004029.4); short protein forms R19H.
Identifiers: ClinVar variation 2912902 (VCV002912902.3), dbSNP rs55860130, ClinGen allele CA216913673.
Genomic context (GRCh38, chr11:615,263, plus strand): 5'-CAGCCGCTGCTGATCTCTCCAAGGAGCCACTCTCCGAACAGCACGCGTGGGGCTGCCCTG[C>T]GGGTGCCCGGCCGCGGAGAGTCAGGGCCGGCTGCAGGGCGCTCGGGGACTGGCATCTGGA-3'

ClinVar aggregate classification (germline): Uncertain significance (1 of 4 stars; one submission).

Conditions:
Immunodeficiency 39 (IMD39). Identifiers: Orphanet 574918, MedGen C4225358, MONDO:0014597, OMIM 616345.

Allele frequency attached by ClinVar (database versions not stated): TOPMed 0.00001; gnomAD 0.00004.

Submission:

Labcorp Genetics (formerly Invitae), Labcorp
Classification: Uncertain significance for Immunodeficiency 39. Last evaluated: 2023-01-31. Review status: criteria provided, single submitter. Criteria: Invitae Variant Classification Sherloc (09022015). Collection method: clinical testing. Allele origin: germline.
Comment: This variant has not been reported in the literature in individuals affected with IRF7-related conditions. This variant is not present in population databases (gnomAD no frequency). This sequence change replaces arginine, which is basic and polar, with histidine, which is basic and polar, at codon 19 of the IRF7 protein (p.Arg19His). Algorithms developed to predict the effect of missense changes on protein structure and function (SIFT, PolyPhen-2, Align-GVGD) all suggest that this variant is likely to be tolerated. In summary, the available evidence is currently insufficient to determine the role of this variant in disease. Therefore, it has been classified as a Variant of Uncertain Significance. Algorithms developed to predict the effect of sequence changes on RNA splicing suggest that this variant may create or strengthen a splice site.